The following is an entry in ClinVar:

ClinVar aggregate classification (germline): Uncertain significance (1 of 4 stars; one submission).

Allele frequency attached by ClinVar (database versions not stated): gnomAD exomes below 0.00001; gnomAD 0.00006.

Submission:

CeGaT Center for Human Genetics Tuebingen
Classification: Uncertain significance. Last evaluated: 2024-05-01. Review status: criteria provided, single submitter. Criteria: CeGaT Center For Human Genetics Tuebingen Variant Classification Criteria Version 2. Collection method: clinical testing. Allele origin: germline. Affected: yes. Observed: 1 variant allele.
Comment: LAMA1: PM2, BP4

NM_005559.4(LAMA1):c.1588G>A (p.Val530Ile)

Gene: LAMA1 (laminin subunit alpha 1; minus strand). Cytogenetic location: 18p11.31.
Variant type: single nucleotide variant.
Coding change: c.1588G>A on transcript NM_005559.4 (MANE Select); coding-DNA position 1588, G replaced by A.
Protein change: p.Val530Ile; replaces valine 530 with isoleucine.
Molecular consequence: missense variant.
Genome position (GRCh38, 1-based): chr18:7,037,727, C>T on the plus strand (G>A on the coding strand, the complement: LAMA1 is on the minus strand). VCF-style: chr18-7037727-C-T. GRCh37 (hg19) VCF-style: chr18-7037726-C-T.
Other names: short protein forms V530I.
Identifiers: ClinVar variation 3239142 (VCV003239142.19), dbSNP rs375032577.